The following is an entry in ClinVar:

NM_015662.3(IFT172):c.4412C>A (p.Ala1471Asp)

Gene: IFT172 (intraflagellar transport 172; minus strand). Cytogenetic location: 2p23.3.
Variant type: single nucleotide variant.
Coding change: c.4412C>A on transcript NM_015662.3 (MANE Select); coding-DNA position 4412, C replaced by A.
Protein change: p.Ala1471Asp; replaces alanine 1471 with aspartic acid.
Molecular consequence: missense variant.
Genome position (GRCh38, 1-based): chr2:27,448,931, G>T on the plus strand (C>A on the coding strand, the complement: IFT172 is on the minus strand). VCF-style: chr2-27448931-G-T. GRCh37 (hg19) VCF-style: chr2-27671798-G-T.
Other names: short protein forms A1471D.
Identifiers: ClinVar variation 1468700 (VCV001468700.8), dbSNP rs1219587063, ClinGen allele CA346419719.

ClinVar aggregate classification (germline): Uncertain significance (1 of 4 stars; one submission).

Conditions:
Short-rib thoracic dysplasia 10 with or without polydactyly (SRTD10). Identifiers: Orphanet 474, MedGen C3810175, MONDO:0014284, OMIM 615630.
Retinitis pigmentosa 71 (RP71). Identifiers: Orphanet 791, MedGen C4225342, MONDO:0014618, OMIM 616394.

Submission:

Labcorp Genetics (formerly Invitae), Labcorp
Classification: Uncertain significance for Retinitis pigmentosa 71; Short-rib thoracic dysplasia 10 with or without polydactyly. Last evaluated: 2021-03-29. Review status: criteria provided, single submitter. Criteria: Invitae Variant Classification Sherloc (09022015). Collection method: clinical testing. Allele origin: germline.
Comment: In summary, the available evidence is currently insufficient to determine the role of this variant in disease. Therefore, it has been classified as a Variant of Uncertain Significance. Algorithms developed to predict the effect of missense changes on protein structure and function are either unavailable or do not agree on the potential impact of this missense change (SIFT: "Deleterious"; PolyPhen-2: "Possibly Damaging"; Align-GVGD: "Class C0"). This variant has not been reported in the literature in individuals with IFT172-related conditions. This variant is not present in population databases (ExAC no frequency). This sequence change replaces alanine with aspartic acid at codon 1471 of the IFT172 protein (p.Ala1471Asp). The alanine residue is highly conserved and there is a moderate physicochemical difference between alanine and aspartic acid.